The following is an entry in ClinVar:

NM_001354604.2(MITF):c.1179+217G>T

Gene: MITF (melanocyte inducing transcription factor; plus strand). Cytogenetic location: 3p13.
Variant type: single nucleotide variant.
Coding change: c.1179+217G>T on transcript NM_001354604.2 (MANE Select); 217 bases into the intron after coding-DNA position 1179, G replaced by T.
Molecular consequence: intron variant.
Genome position (GRCh38, 1-based): chr3:69,959,637, G>T. VCF-style: chr3-69959637-G-T. GRCh37 (hg19) VCF-style: chr3-70008788-G-T.
Other names: c.1110+217G>T (NM_001354607.2); c.1005+217G>T (NM_001354608.2, NM_001184967.2); c.1161+217G>T (NM_198159.3); c.1176+217G>T (NM_001354605.2); c.1158+217G>T (NM_001354606.2, NM_006722.3); c.1113+217G>T (NM_198177.3); c.858+217G>T (NM_000248.4); c.840+217G>T (NM_198158.3); and 1 more.
Identifiers: ClinVar variation 676956 (VCV000676956.1), dbSNP rs9873727, ClinGen allele CA77002929.

ClinVar aggregate classification (germline): Benign (1 of 4 stars; one submission).

Allele frequency attached by ClinVar (database versions not stated): gnomAD 0.05306 and 0.05467; TOPMed 0.05664; 1000 Genomes Project 0.06210; 1000 Genomes Project 30x 0.06262.
gnomAD v4.1: 8,011 of 152,182 alleles (5.3%); highest among the groups gnomAD compares: African/African-American, 15%; 487 homozygotes.

Submission:

GeneDx
Classification: Benign. Last evaluated: 2018-06-18. Review status: criteria provided, single submitter. Criteria: GeneDx Variant Classification (06012015). Collection method: clinical testing. Allele origin: germline. Affected: yes.
Comment: This variant is considered likely benign or benign based on one or more of the following criteria: it is a conservative change, it occurs at a poorly conserved position in the protein, it is predicted to be benign by multiple in silico algorithms, and/or has population frequency not consistent with disease.